The following is an entry in ClinVar:

NM_005029.4(PITX3):c.483T>G (p.Leu161=)

Genes: GBF1 (golgi brefeldin A resistant guanine nucleotide exchange factor 1; plus strand), PITX3 (paired like homeodomain 3; minus strand). Cytogenetic location: 10q24.32.
Variant type: single nucleotide variant.
Coding change: c.483T>G on transcript NM_005029.4 (MANE Select); coding-DNA position 483, T replaced by G.
Protein change: p.Leu161=; no amino-acid change (leucine 161 retained).
Molecular consequence: synonymous variant. On other transcripts: intron variant (2).
Genome position (GRCh38, 1-based): chr10:102,230,940, A>C on the plus strand (T>G on the coding strand, the complement: PITX3 is on the minus strand). VCF-style: chr10-102230940-A-C. GRCh37 (hg19) VCF-style: chr10-103990697-A-C.
Other names: c.-149+24A>C (NM_001391924.1); c.-11+24A>C (NM_001391923.1).
Identifiers: ClinVar variation 3030213 (VCV003030213.2), dbSNP rs1447687897, ClinGen allele CA471247813.

ClinVar aggregate classification (germline): Likely benign (0 of 4 stars; one submission).

Conditions:
PITX3-related disorder. Also called: PITX3-related condition.

Allele frequency attached by ClinVar (database versions not stated): gnomAD exomes below 0.00001.
gnomAD v4.1: 2 of 1,608,890 alleles (0.00012%); highest among the groups gnomAD compares: East Asian, 0.0045%; no homozygotes.

Submission:

PreventionGenetics, part of Exact Sciences
Classification: Likely benign for PITX3-related condition. Last evaluated: 2021-01-04. Review status: no assertion criteria provided. Collection method: clinical testing. Allele origin: germline.
Comment: This variant is classified as likely benign based on ACMG/AMP sequence variant interpretation guidelines (Richards et al. 2015 PMID: 25741868, with internal and published modifications).